The following is an entry in ClinVar:

NM_001005242.3(PKP2):c.2357+1G>T

Gene: PKP2 (plakophilin 2; minus strand). Cytogenetic location: 12p11.21.
Variant type: single nucleotide variant.
Coding change: c.2357+1G>T on transcript NM_001005242.3 (MANE Select); the canonical splice donor site of the intron after coding-DNA position 2357, G replaced by T.
Molecular consequence: splice donor variant. On other transcripts: intron variant (2).
Genome position (GRCh38, 1-based): chr12:32,796,108, C>A on the plus strand (G>T on the coding strand, the complement: PKP2 is on the minus strand). VCF-style: chr12-32796108-C-A. GRCh37 (hg19) VCF-style: chr12-32949042-C-A.
Other names: c.2192+1G>T (NM_001407156.1); c.2168-3377G>T (NM_001407155.1); c.2489+1G>T (NM_004572.4); c.1841-3377G>T (NM_001407160.1); c.2030+1G>T (NM_001407159.1, NM_001407158.1).
Identifiers: ClinVar variation 45071 (VCV000045071.29), dbSNP rs111517471, ClinGen allele CA012097.

ClinVar aggregate classification (germline): Pathogenic/Likely pathogenic. Review status: criteria provided, multiple submitters, no conflicts (2 of 4 stars). 5 submissions from 5 submitters: Pathogenic (3); Likely pathogenic (1). 1 of the submissions does not count toward it. Last evaluated 2025-10-01.

Conditions:
Arrhythmogenic right ventricular cardiomyopathy (ARVD). Also called: Arrhythmogenic right ventricular dysplasia; Cardiomyopathy, ARVC; Arrhythmogenic cardiomyopathy; Arrhythmogenic Right Ventricular Cardiomyopathy (ARVC). Identifiers: Orphanet 247, MedGen C0349788, MeSH D019571, MONDO:0016587. Disease mechanism: loss of function. Inheritance: Various modes of inheritance.
Arrhythmogenic right ventricular dysplasia 9 (ARVD9). Also called: Arrhythmogenic Right Ventricular Dysplasia/Cardiomyopathy 9; ARRHYTHMOGENIC RIGHT VENTRICULAR DYSPLASIA, FAMILIAL, 9. Identifiers: MedGen C1836906, MONDO:0012180, OMIM 609040.

Submissions (5):

CeGaT Center for Human Genetics Tuebingen
Classification: Pathogenic. Last evaluated: 2025-10-01. Review status: criteria provided, single submitter. Criteria: CeGaT Center For Human Genetics Tuebingen Variant Classification Criteria Version 2. Collection method: clinical testing. Allele origin: germline. Affected: yes. Observed: 5 variant alleles.
Comment: PKP2: PVS1, PM2, PS4:Moderate, PS1:Supporting

Labcorp Genetics (formerly Invitae), Labcorp
Classification: Pathogenic for Arrhythmogenic right ventricular dysplasia 9. Last evaluated: 2023-12-25. Review status: criteria provided, single submitter. Criteria: Invitae Variant Classification Sherloc (09022015). Collection method: clinical testing. Allele origin: germline.
Comment: This sequence change affects a donor splice site in intron 12 of the PKP2 gene. It is expected to disrupt RNA splicing. Variants that disrupt the donor or acceptor splice site typically lead to a loss of protein function (PMID: 16199547), and loss-of-function variants in PKP2 are known to be pathogenic (PMID: 15489853, 23911551). This variant is not present in population databases (gnomAD no frequency). Disruption of this splice site has been observed in individuals with arrhythmogenic right ventricular cardiomyopathy (PMID: 15489853, 17010805, 20031616, 20031617, 21822014, 22214898). ClinVar contains an entry for this variant (Variation ID: 45071). Algorithms developed to predict the effect of sequence changes on RNA splicing suggest that this variant may disrupt the consensus splice site. For these reasons, this variant has been classified as Pathogenic.

Institute of Human Genetics, University of Leipzig Medical Center
Classification: Likely pathogenic for Arrhythmogenic right ventricular dysplasia 9. Last evaluated: 2019-01-01. Review status: criteria provided, single submitter. Criteria: ACMG Guidelines, 2015. Collection method: clinical testing. Allele origin: unknown. Affected: no.

GeneDx
Classification: Pathogenic. Last evaluated: 2018-04-05. Review status: criteria provided, single submitter. Criteria: GeneDx Variant Classification (06012015). Collection method: clinical testing. Allele origin: germline. Affected: yes.
Comment: c.2489+1 G>T: IVS12+1 G>T in intron 12 of the PKP2 gene (NM_004572.3). The c.2489+1 G>T mutation in the PKP2 gene has been published previously in association with ARVC (DenHaan et al., 2009). The mutation destroys the canonical splice donor site in intron 12 and is expected to cause abnormal gene splicing. The mutation is predicted to lead to either an abnormal message that is subject to nonsense-mediated mRNA decay, or to an abnormal protein product if the message is used for protein translation. Other splice site mutations in the PKP2 gene have been reported in association with ARVC. In summary, c.2489+1 G>T in the PKP2 gene is interpreted as a disease-causing mutation. The variant is found in ARVC panel(s).

Laboratory for Molecular Medicine, Mass General Brigham Personalized Medicine
Classification: Likely pathogenic for Arrhythmogenic right ventricular cardiomyopathy. Last evaluated: 2009-10-07. Review status: no assertion criteria provided. Collection method: clinical testing. Allele origin: germline. Observed: 1 variant allele. Not counted in ClinVar's aggregate classification.

Literature cited by the submitters: PubMed 16199547 (cited by Labcorp Genetics (formerly Invitae), Labcorp); PubMed 15489853 (cited by Labcorp Genetics (formerly Invitae), Labcorp); PubMed 23911551 (cited by Labcorp Genetics (formerly Invitae), Labcorp); PubMed 17010805 (cited by Labcorp Genetics (formerly Invitae), Labcorp); PubMed 20031616 (cited by Labcorp Genetics (formerly Invitae), Labcorp); PubMed 20031617 (cited by Labcorp Genetics (formerly Invitae), Labcorp and Laboratory for Molecular Medicine, Mass General Brigham Personalized Medicine); PubMed 21822014 (cited by Labcorp Genetics (formerly Invitae), Labcorp); PubMed 22214898 (cited by Labcorp Genetics (formerly Invitae), Labcorp).